The following is an entry in ClinVar:

ClinVar aggregate classification (germline): Pathogenic (1 of 4 stars; one submission).

Conditions:
Ornithine carbamoyltransferase deficiency (OTCD). Also called: ORNITHINE TRANSCARBAMYLASE DEFICIENCY; ORNITHINE TRANSCARBAMYLASE DEFICIENCY, HYPERAMMONEMIA DUE TO; OTC DEFICIENCY; Ornithine Carbamoyltransferase Deficiency Disease. Identifiers: Orphanet 664, MedGen C0268542, MONDO:0010703, OMIM 311250.

Submission:

Labcorp Genetics (formerly Invitae), Labcorp
Classification: Pathogenic for Ornithine carbamoyltransferase deficiency. Last evaluated: 2024-04-10. Review status: criteria provided, single submitter. Criteria: Invitae Variant Classification Sherloc (09022015). Collection method: clinical testing. Allele origin: germline.
Comment: This sequence change replaces tryptophan, which is neutral and slightly polar, with cysteine, which is neutral and slightly polar, at codon 193 of the OTC protein (p.Trp193Cys). This variant is not present in population databases (gnomAD no frequency). This missense change has been observed in individuals with ornithine transcarbamylase deficiency (PMID: 19138872; Invitae). ClinVar contains an entry for this variant (Variation ID: 1406820). Advanced modeling of protein sequence and biophysical properties (such as structural, functional, and spatial information, amino acid conservation, physicochemical variation, residue mobility, and thermodynamic stability) performed at Invitae indicates that this missense variant is expected to disrupt OTC protein function with a positive predictive value of 95%. This variant disrupts the p.Trp193 amino acid residue in OTC. Other variant(s) that disrupt this residue have been determined to be pathogenic (PMID: 12402347, 16786505, 17565723, 19138872). This suggests that this residue is clinically significant, and that variants that disrupt this residue are likely to be disease-causing. For these reasons, this variant has been classified as Pathogenic.

Literature cited by the submitters: PubMed 19138872; PubMed 12402347; PubMed 16786505; PubMed 17565723.

NM_000531.6(OTC):c.579G>T (p.Trp193Cys)

Gene: OTC (ornithine transcarbamylase; plus strand). Cytogenetic location: Xp11.4.
Variant type: single nucleotide variant.
Coding change: c.579G>T on transcript NM_000531.6 (MANE Select); coding-DNA position 579, G replaced by T.
Protein change: p.Trp193Cys; replaces tryptophan 193 with cysteine.
Molecular consequence: missense variant.
Genome position (GRCh38, 1-based): chrX:38,403,656, G>T. VCF-style: chrX-38403656-G-T. GRCh37 (hg19) VCF-style: chrX-38262909-G-T.
Other names: short protein forms W193C.
Identifiers: ClinVar variation 1406820 (VCV001406820.8), dbSNP rs2147342649, ClinGen allele CA412725372.